The following is an entry in ClinVar:

NM_001277115.2(DNAH11):c.6170T>C (p.Leu2057Pro)

Gene: DNAH11 (dynein axonemal heavy chain 11; plus strand). Cytogenetic location: 7p15.3.
Variant type: single nucleotide variant.
Coding change: c.6170T>C on transcript NM_001277115.2 (MANE Select); coding-DNA position 6170, T replaced by C.
Protein change: p.Leu2057Pro; replaces leucine 2057 with proline.
Molecular consequence: missense variant.
Genome position (GRCh38, 1-based): chr7:21,698,203, T>C. VCF-style: chr7-21698203-T-C. GRCh37 (hg19) VCF-style: chr7-21737821-T-C.
Other names: short protein forms L2057P.
Identifiers: ClinVar variation 950053 (VCV000950053.9), dbSNP rs777354329, ClinGen allele CA4180703.
Genomic context (GRCh38, chr7:21,698,203, plus strand): 5'-TGGATGCGCGTGCATTAGCCCGAAAGTTCATTACGTTGTACACGCTTTGCAAGGAGCTTC[T>C]CTCCAAGCAGGTGAGGGATCATTTGTTACGTTTTCTTGTTTTTACATACCATTGAAAAAG-3'
Protein context (NP_001264044.1, residues 2047-2067): ITLYTLCKEL[Leu2057Pro]SKQDHYDWGL

ClinVar aggregate classification (germline): Uncertain significance. Review status: criteria provided, multiple submitters, no conflicts (2 of 4 stars). 2 submissions from 2 submitters: Uncertain significance (2). Last evaluated 2022-10-13.

Conditions:
Primary ciliary dyskinesia. Also called: Ciliary dyskinesia. Identifiers: Orphanet 244, MedGen C0008780, MONDO:0016575, HP:0012265.

Allele frequency attached by ClinVar (database versions not stated): gnomAD exomes below 0.00001; ExAC 0.00001.
gnomAD v4.1: 2 of 1,613,560 alleles (0.00012%); highest among the groups gnomAD compares: Non-Finnish European, 0.000085%; no homozygotes.

Submissions (2):

Labcorp Genetics (formerly Invitae), Labcorp
Classification: Uncertain significance for Primary ciliary dyskinesia. Last evaluated: 2022-10-13. Review status: criteria provided, single submitter. Criteria: Invitae Variant Classification Sherloc (09022015). Collection method: clinical testing. Allele origin: germline.
Comment: This sequence change replaces leucine, which is neutral and non-polar, with proline, which is neutral and non-polar, at codon 2057 of the DNAH11 protein (p.Leu2057Pro). This variant is present in population databases (rs777354329, gnomAD 0.0009%). This variant has not been reported in the literature in individuals affected with DNAH11-related conditions. ClinVar contains an entry for this variant (Variation ID: 950053). Advanced modeling of protein sequence and biophysical properties (such as structural, functional, and spatial information, amino acid conservation, physicochemical variation, residue mobility, and thermodynamic stability) has been performed at Invitae for this missense variant, however the output from this modeling did not meet the statistical confidence thresholds required to predict the impact of this variant on DNAH11 protein function. In summary, the available evidence is currently insufficient to determine the role of this variant in disease. Therefore, it has been classified as a Variant of Uncertain Significance.

Ambry Genetics
Classification: Uncertain significance for Primary ciliary dyskinesia. Last evaluated: 2021-11-02. Review status: criteria provided, single submitter. Criteria: Ambry Variant Classification Scheme 2023. Collection method: clinical testing. Allele origin: germline.
Comment: The p.L2057P variant (also known as c.6170T>C), located in coding exon 36 of the DNAH11 gene, results from a T to C substitution at nucleotide position 6170. The leucine at codon 2057 is replaced by proline, an amino acid with similar properties. This amino acid position is conserved. In addition, this alteration is predicted to be deleterious by in silico analysis. Since supporting evidence is limited at this time, the clinical significance of this alteration remains unclear.